The following is an entry in ClinVar:

ClinVar aggregate classification (germline): Uncertain significance. Review status: criteria provided, multiple submitters, no conflicts (2 of 4 stars). 2 submissions from 2 submitters: Uncertain significance (2). Last evaluated 2024-10-30.

Conditions:
Cardiovascular phenotype. Identifiers: MedGen CN230736.
Dilated cardiomyopathy 1W (CMD1W). Identifiers: Orphanet 154, MedGen C1969639, MONDO:0012667, OMIM 611407.

Allele frequency attached by ClinVar (database versions not stated): TOPMed below 0.00001; gnomAD 0.00001; gnomAD exomes 0.00001; ExAC 0.00002.
gnomAD v4.1: 9 of 1,614,166 alleles (0.00056%); highest among the groups gnomAD compares: East Asian, 0.0022%; no homozygotes.

Submissions (2):

Ambry Genetics
Classification: Uncertain significance for Cardiovascular phenotype. Last evaluated: 2024-10-30. Review status: criteria provided, single submitter. Criteria: Ambry Variant Classification Scheme 2023. Collection method: clinical testing. Allele origin: germline.
Comment: The p.E839K variant (also known as c.2515G>A), located in coding exon 17 of the VCL gene, results from a G to A substitution at nucleotide position 2515. The glutamic acid at codon 839 is replaced by lysine, an amino acid with similar properties. This amino acid position is highly conserved in available vertebrate species. In addition, the in silico prediction for this alteration is inconclusive. Based on the available evidence, the clinical significance of this variant remains unclear.

Labcorp Genetics (formerly Invitae), Labcorp
Classification: Uncertain significance for Dilated cardiomyopathy 1W. Last evaluated: 2024-10-22. Review status: criteria provided, single submitter. Criteria: Invitae Variant Classification Sherloc (09022015). Collection method: clinical testing. Allele origin: germline.
Comment: This sequence change replaces glutamic acid with lysine at codon 839 of the VCL protein (p.Glu839Lys). The glutamic acid residue is highly conserved and there is a small physicochemical difference between glutamic acid and lysine. This variant is present in population databases (rs747152761, gnomAD 0.003%). This variant has not been reported in the literature in individuals affected with VCL-related conditions. ClinVar contains an entry for this variant (Variation ID: 1470664). An algorithm developed to predict the effect of missense changes on protein structure and function (PolyPhen-2) suggests that this variant is likely to be disruptive. In summary, the available evidence is currently insufficient to determine the role of this variant in disease. Therefore, it has been classified as a Variant of Uncertain Significance.

NM_014000.3(VCL):c.2515G>A (p.Glu839Lys)

Gene: VCL (vinculin; plus strand). Cytogenetic location: 10q22.2.
Variant type: single nucleotide variant.
Coding change: c.2515G>A on transcript NM_014000.3 (MANE Select); coding-DNA position 2515, G replaced by A.
Protein change: p.Glu839Lys; replaces glutamic acid 839 with lysine.
Molecular consequence: missense variant.
Genome position (GRCh38, 1-based): chr10:74,107,310, G>A. VCF-style: chr10-74107310-G-A. GRCh37 (hg19) VCF-style: chr10-75867068-G-A.
Other names: c.2515G>A (NM_014000.2); c.2515G>A, p.Glu839Lys (NM_003373.4); short protein forms E839K.
Identifiers: ClinVar variation 1470664 (VCV001470664.7), dbSNP rs747152761, ClinGen allele CA5563236.